The following is an entry in ClinVar:

NM_018706.7(DHTKD1):c.2705T>C (p.Ile902Thr)

Gene: DHTKD1 (dehydrogenase E1 and transketolase domain containing 1; plus strand). Cytogenetic location: 10p14.
Variant type: single nucleotide variant.
Coding change: c.2705T>C on transcript NM_018706.7 (MANE Select); coding-DNA position 2705, T replaced by C.
Protein change: p.Ile902Thr; replaces isoleucine 902 with threonine.
Molecular consequence: missense variant.
Genome position (GRCh38, 1-based): chr10:12,120,833, T>C. VCF-style: chr10-12120833-T-C. GRCh37 (hg19) VCF-style: chr10-12162832-T-C.
Other names: short protein forms I902T.
Identifiers: ClinVar variation 2052476 (VCV002052476.5), dbSNP rs145475655, ClinGen allele CA5408377.

ClinVar aggregate classification (germline): Uncertain significance. Review status: criteria provided, multiple submitters, no conflicts (2 of 4 stars). 2 submissions from 2 submitters: Uncertain significance (2). Last evaluated 2025-10-29.

Conditions:
2-aminoadipic 2-oxoadipic aciduria (AAKAD). Also called: Aminoadipic aciduria; ALPHA-AMINOADIPIC AND ALPHA-KETOADIPIC ACIDURIA. Identifiers: Orphanet 79154, MedGen C1859817, MONDO:0008774, OMIM 204750.

Allele frequency attached by ClinVar (database versions not stated): gnomAD 0.00003; gnomAD exomes 0.00003; TOPMed 0.00003; ExAC 0.00005; ESP Exome Variant Server 0.00015.
gnomAD v4.1: 41 of 1,614,040 alleles (0.0025%); highest among the groups gnomAD compares: Admixed American, 0.018%; no homozygotes.

Submissions (2):

Women's Health and Genetics/Laboratory Corporation of America, LabCorp
Classification: Uncertain significance. Last evaluated: 2025-10-29. Review status: criteria provided, single submitter. Criteria: LabCorp Variant Classification Summary - May 2015. Collection method: clinical testing. Allele origin: germline.
Comment: Variant summary: DHTKD1 c.2705T>C (p.Ile902Thr) results in a non-conservative amino acid change in the encoded protein sequence. Algorithms developed to predict the effect of missense changes on protein structure and function are either unavailable or do not agree on the potential impact of this missense change. The variant allele was found at a frequency of 4.4e-05 in 251494 control chromosomes. This frequency is not significantly higher than estimated for disease-causing variants in DHTKD1, allowing no conclusion about variant significance. To our knowledge, no occurrence of c.2705T>C in individuals affected with DHTKD1-related conditions and no experimental evidence demonstrating its impact on protein function have been reported. ClinVar contains an entry for this variant (Variation ID: 2052476). Based on the evidence outlined above, the variant was classified as uncertain significance.

Labcorp Genetics (formerly Invitae), Labcorp
Classification: Uncertain significance for 2-aminoadipic 2-oxoadipic aciduria. Last evaluated: 2024-09-09. Review status: criteria provided, single submitter. Criteria: Invitae Variant Classification Sherloc (09022015). Collection method: clinical testing. Allele origin: germline.
Comment: This sequence change replaces isoleucine, which is neutral and non-polar, with threonine, which is neutral and polar, at codon 902 of the DHTKD1 protein (p.Ile902Thr). This variant is present in population databases (rs145475655, gnomAD 0.01%). This variant has not been reported in the literature in individuals affected with DHTKD1-related conditions. ClinVar contains an entry for this variant (Variation ID: 2052476). Invitae Evidence Modeling of protein sequence and biophysical properties (such as structural, functional, and spatial information, amino acid conservation, physicochemical variation, residue mobility, and thermodynamic stability) indicates that this missense variant is not expected to disrupt DHTKD1 protein function with a negative predictive value of 80%. In summary, the available evidence is currently insufficient to determine the role of this variant in disease. Therefore, it has been classified as a Variant of Uncertain Significance.